The following is an entry in ClinVar:

NM_002936.6(RNASEH1):c.470G>A (p.Arg157Gln)

Gene: RNASEH1 (ribonuclease H1; minus strand). Cytogenetic location: 2p25.3.
Variant type: single nucleotide variant.
Coding change: c.470G>A on transcript NM_002936.6 (MANE Select); coding-DNA position 470, G replaced by A.
Protein change: p.Arg157Gln; replaces arginine 157 with glutamine.
Molecular consequence: missense variant. On other transcripts: non-coding transcript variant (7).
Genome position (GRCh38, 1-based): chr2:3,550,412, C>T on the plus strand (G>A on the coding strand, the complement: RNASEH1 is on the minus strand). VCF-style: chr2-3550412-C-T. GRCh37 (hg19) VCF-style: chr2-3598002-C-T.
Other names: c.392G>A, p.Arg131Gln (NM_001286834.3); c.119G>A, p.Arg40Gln (NM_001286837.3); c.470G>A, p.Arg157Gln (NM_001378271.1, NM_001378273.1); c.467G>A, p.Arg156Gln (NM_001378272.1); short protein forms R157Q, R131Q, R40Q, R156Q.
Identifiers: ClinVar variation 595690 (VCV000595690.7), dbSNP rs201423064, ClinGen allele CA1516255.

ClinVar aggregate classification (germline): Uncertain significance. Review status: criteria provided, multiple submitters, no conflicts (2 of 4 stars). 2 submissions from 2 submitters: Uncertain significance (2). Last evaluated 2022-07-12.

Allele frequency attached by ClinVar (database versions not stated): gnomAD 0.00001 and 0.00005; TOPMed 0.00006; ExAC 0.00009; gnomAD exomes 0.00012 and 0.00013; 1000 Genomes Project 30x 0.00031; 1000 Genomes Project 0.00040.

Submissions (2):

Labcorp Genetics (formerly Invitae), Labcorp
Classification: Uncertain significance. Last evaluated: 2022-07-12. Review status: criteria provided, single submitter. Criteria: Invitae Variant Classification Sherloc (09022015). Collection method: clinical testing. Allele origin: germline.
Comment: This sequence change replaces arginine, which is basic and polar, with glutamine, which is neutral and polar, at codon 157 of the RNASEH1 protein (p.Arg157Gln). This variant is present in population databases (rs201423064, gnomAD 0.1%). This variant has not been reported in the literature in individuals affected with RNASEH1-related conditions. ClinVar contains an entry for this variant (Variation ID: 595690). Algorithms developed to predict the effect of missense changes on protein structure and function are either unavailable or do not agree on the potential impact of this missense change (SIFT: "Tolerated"; PolyPhen-2: "Probably Damaging"; Align-GVGD: "Class C0"). In summary, the available evidence is currently insufficient to determine the role of this variant in disease. Therefore, it has been classified as a Variant of Uncertain Significance.

Eurofins Ntd Llc (ga)
Classification: Uncertain significance. Last evaluated: 2018-01-17. Review status: criteria provided, single submitter. Criteria: EGL Classification Definitions 2015. Collection method: clinical testing. Allele origin: germline. Observed: 1 variant allele, 1 heterozygote.